The following is an entry in ClinVar:

ClinVar aggregate classification (germline): Uncertain significance. Review status: criteria provided, multiple submitters, no conflicts (2 of 4 stars). 2 submissions from 2 submitters: Uncertain significance (2). Last evaluated 2025-04-29.

Allele frequency attached by ClinVar (database versions not stated): ExAC 0.00001; gnomAD exomes 0.00001; TOPMed 0.00001; gnomAD 0.00001.
gnomAD v4.1: 11 of 1,613,786 alleles (0.00068%); highest among the groups gnomAD compares: African/African-American, 0.0027%; no homozygotes.

Submissions (2):

Labcorp Genetics (formerly Invitae), Labcorp
Classification: Uncertain significance. Last evaluated: 2025-04-29. Review status: criteria provided, single submitter. Criteria: Invitae Variant Classification Sherloc (09022015). Collection method: clinical testing. Allele origin: germline.
Comment: This sequence change replaces tyrosine, which is neutral and polar, with cysteine, which is neutral and slightly polar, at codon 359 of the ASXL1 protein (p.Tyr359Cys). This variant is present in population databases (rs754808303, gnomAD 0.008%). This variant has not been reported in the literature in individuals affected with ASXL1-related conditions. ClinVar contains an entry for this variant (Variation ID: 1696926). An algorithm developed to predict the effect of missense changes on protein structure and function (PolyPhen-2) suggests that this variant is likely to be disruptive. In summary, the available evidence is currently insufficient to determine the role of this variant in disease. Therefore, it has been classified as a Variant of Uncertain Significance.

GeneDx
Classification: Uncertain significance. Last evaluated: 2022-01-14. Review status: criteria provided, single submitter. Criteria: GeneDx Variant Classification Process June 2021. Collection method: clinical testing. Allele origin: germline. Affected: yes.
Comment: In silico analysis supports that this missense variant has a deleterious effect on protein structure/function; Missense variant in a gene in which most reported pathogenic variants are truncating/loss-of-function; Has not been previously published as pathogenic or benign to our knowledge

NM_015338.6(ASXL1):c.1076A>G (p.Tyr359Cys)

Gene: ASXL1 (ASXL transcriptional regulator 1; plus strand). Cytogenetic location: 20q11.21.
Variant type: single nucleotide variant.
Coding change: c.1076A>G on transcript NM_015338.6 (MANE Select); coding-DNA position 1076, A replaced by G.
Protein change: p.Tyr359Cys; replaces tyrosine 359 with cysteine.
Molecular consequence: missense variant.
Genome position (GRCh38, 1-based): chr20:32,432,976, A>G. VCF-style: chr20-32432976-A-G. GRCh37 (hg19) VCF-style: chr20-31020779-A-G.
Other names: c.893A>G, p.Tyr298Cys (NM_001363734.1); short protein forms Y298C, Y359C.
Identifiers: ClinVar variation 1696926 (VCV001696926.5), dbSNP rs754808303, ClinGen allele CA9808271.